The following is an entry in ClinVar:

ClinVar aggregate classification (germline): Uncertain significance. Review status: criteria provided, multiple submitters, no conflicts (2 of 4 stars). 2 submissions from 2 submitters: Uncertain significance (2). Last evaluated 2025-12-10.

Conditions:
Ehlers-Danlos syndrome, classic type, 1 (EDSCL1). Also called: EHLERS-DANLOS SYNDROME, GRAVIS TYPE; EHLERS-DANLOS SYNDROME, SEVERE CLASSIC TYPE; Ehlers-Danlos syndrome, type 1; EDS I; Ehlers-Danlos Syndrome, Classic Type, COL5A1-Related. Identifiers: MedGen C0268335, MONDO:0019567, OMIM 130000.

Allele frequency attached by ClinVar (database versions not stated): ExAC 0.00001; gnomAD 0.00001; gnomAD exomes below 0.00001.
gnomAD v4.1: 6 of 1,611,886 alleles (0.00037%); highest among the groups gnomAD compares: Non-Finnish European, 0.00051%; no homozygotes.

Submissions (2):

Labcorp Genetics (formerly Invitae), Labcorp
Classification: Uncertain significance for Ehlers-Danlos syndrome, classic type, 1. Last evaluated: 2025-12-10. Review status: criteria provided, single submitter. Criteria: Invitae Variant Classification Sherloc (09022015). Collection method: clinical testing. Allele origin: germline.
Comment: This sequence change replaces glutamic acid, which is acidic and polar, with glycine, which is neutral and non-polar, at codon 830 of the COL5A1 protein (p.Glu830Gly). The frequency data for this variant in the population databases is considered unreliable, as metrics indicate poor data quality at this position in the gnomAD database. This variant has not been reported in the literature in individuals affected with COL5A1-related conditions. ClinVar contains an entry for this variant (Variation ID: 2094632). Invitae Evidence Modeling of protein sequence and biophysical properties (such as structural, functional, and spatial information, amino acid conservation, physicochemical variation, residue mobility, and thermodynamic stability) indicates that this missense variant is not expected to disrupt COL5A1 protein function with a negative predictive value of 95%. In summary, the available evidence is currently insufficient to determine the role of this variant in disease. Therefore, it has been classified as a Variant of Uncertain Significance.

ARUP Laboratories, Molecular Genetics and Genomics, ARUP Laboratories
Classification: Uncertain significance. Last evaluated: 2024-08-19. Review status: criteria provided, single submitter. Criteria: ARUP Molecular Germline Variant Investigation Process 2024. Collection method: clinical testing. Allele origin: germline.
Comment: The COL5A1 c.2489A>G; p.Glu830Gly variant (rs749372099), to our knowledge, is not reported in the medical literature but is reported in ClinVar (Variation ID: 2094632). This variant is only found on one allele in the Genome Aggregation Database (v2.1.1), however, this site is considered low confidence in this database. Computational analyses predict that this variant is deleterious (REVEL: 0.873). Due to limited information, the clinical significance of this variant is uncertain at this time.

NM_000093.5(COL5A1):c.2489A>G (p.Glu830Gly)

Gene: COL5A1 (collagen type V alpha 1 chain; plus strand). Cytogenetic location: 9q34.3.
Variant type: single nucleotide variant.
Coding change: c.2489A>G on transcript NM_000093.5 (MANE Select); coding-DNA position 2489, A replaced by G.
Protein change: p.Glu830Gly; replaces glutamic acid 830 with glycine.
Molecular consequence: missense variant.
Genome position (GRCh38, 1-based): chr9:134,784,993, A>G. VCF-style: chr9-134784993-A-G. GRCh37 (hg19) VCF-style: chr9-137676839-A-G.
Other names: c.2489A>G, p.Glu830Gly (NM_001278074.1); short protein forms E830G.
Identifiers: ClinVar variation 2094632 (VCV002094632.5), dbSNP rs749372099, ClinGen allele CA5319432.